The following is an entry in ClinVar:

ClinVar aggregate classification (germline): Uncertain significance. Review status: criteria provided, multiple submitters, no conflicts (2 of 4 stars). 2 submissions from 2 submitters: Uncertain significance (2). Last evaluated 2024-10-15.

Conditions:
Hypogonadotropic hypogonadism 2 with or without anosmia (HH2). Also called: HYPOGONADOTROPIC HYPOGONADISM 2 WITH OR WITHOUT ANOSMIA, SUSCEPTIBILITY TO; HYPOGONADOTROPIC HYPOGONADISM 2 WITHOUT ANOSMIA, SUSCEPTIBILITY TO; FGFR1-Related GnRH Deficiency (Kallmann Syndrome 2); HYPOGONADOTROPIC HYPOGONADISM 2 WITHOUT ANOSMIA. Identifiers: Orphanet 478, MedGen C1563720, MONDO:0007844, OMIM 147950. Disease mechanism: loss of function.
Pfeiffer syndrome (ACS5). Also called: ACS V. Identifiers: Orphanet 710, MedGen C0220658, MONDO:0007043, OMIM 101600.

Allele frequency attached by ClinVar (database versions not stated): TOPMed below 0.00001; gnomAD exomes 0.00001.

Submissions (2):

Labcorp Genetics (formerly Invitae), Labcorp
Classification: Uncertain significance for Pfeiffer syndrome; Hypogonadotropic hypogonadism 2 with or without anosmia. Last evaluated: 2024-10-15. Review status: criteria provided, single submitter. Criteria: Invitae Variant Classification Sherloc (09022015). Collection method: clinical testing. Allele origin: germline.
Comment: This variant, c.397_399dup, results in the insertion of 1 amino acid(s) of the FGFR1 protein (p.Asp133dup), but otherwise preserves the integrity of the reading frame. This variant is not present in population databases (gnomAD no frequency). This variant has been observed in individual(s) with clinical features of FGFR1-related conditions (PMID: 36901693). This variant is also known as c.396_398dup. ClinVar contains an entry for this variant (Variation ID: 2154735). In summary, the available evidence is currently insufficient to determine the role of this variant in disease. Therefore, it has been classified as a Variant of Uncertain Significance.

GeneDx
Classification: Uncertain significance. Last evaluated: 2023-11-14. Review status: criteria provided, single submitter. Criteria: GeneDx Variant Classification Process June 2021. Collection method: clinical testing. Allele origin: germline. Affected: yes.
Comment: Not observed at significant frequency in large population cohorts (gnomAD); In-frame duplication of 1 amino acids in a non-repeat region; In silico analysis supports that this variant does not alter protein structure/function; Has not been previously published as pathogenic or benign to our knowledge

Literature cited by the submitters: PubMed 36901693 (cited by Labcorp Genetics (formerly Invitae), Labcorp).

NM_023110.3(FGFR1):c.397_399dup (p.Asp133_Ser134insAsp)

Gene: FGFR1 (fibroblast growth factor receptor 1; minus strand). Cytogenetic location: 8p11.23.
Variant type: Duplication.
Coding change: c.397_399dup on transcript NM_023110.3 (MANE Select); coding-DNA positions 397 to 399, 3 bases duplicated (GAC; older notation c.397_399dupGAC).
Protein change: p.Asp133_Ser134insAsp.
Molecular consequence: inframe insertion. On other transcripts: inframe indel (2).
Genome position (GRCh38, 1-based): chr8:38,428,395-38,428,397, GTC duplicated on the plus strand (GAC on the coding strand, the reverse complement: FGFR1 is on the minus strand). VCF-style (leftmost placement, unchanged base first): chr8-38428394-A-AGTC. GRCh37 (hg19) VCF-style: chr8-38285912-A-AGTC.
Other names: c.397_399dup, p.Asp133_Ser134insAsp (NM_000604.2, NM_001174063.2, NM_001174065.2 and 4 more transcripts); c.373_375dup, p.Asp125_Ser126insAsp (NM_001174064.2); c.130_132dup, p.Asp44_Ser45insAsp (NM_001174066.2, NM_001354368.2, NM_001354370.2 and 2 more transcripts); c.496_498dup, p.Asp166_Ser167insAsp (NM_001174067.2).
Identifiers: ClinVar variation 2154735 (VCV002154735.5), dbSNP rs1821557302, ClinGen allele CA1777539933.